The following is an entry in ClinVar:

NM_000138.5(FBN1):c.1944T>A (p.Asp648Glu)

Gene: FBN1 (fibrillin 1; minus strand). Cytogenetic location: 15q21.1.
Variant type: single nucleotide variant.
Coding change: c.1944T>A on transcript NM_000138.5 (MANE Select); coding-DNA position 1944, T replaced by A.
Protein change: p.Asp648Glu; replaces aspartic acid 648 with glutamic acid.
Molecular consequence: missense variant.
Genome position (GRCh38, 1-based): chr15:48,505,041, A>T on the plus strand (T>A on the coding strand, the complement: FBN1 is on the minus strand). VCF-style: chr15-48505041-A-T. GRCh37 (hg19) VCF-style: chr15-48797238-A-T.
Other names: c.1944T>A (NM_000138.4); short protein forms D648E.
Identifiers: ClinVar variation 1433690 (VCV001433690.9), dbSNP rs2141317175, ClinGen allele CA392338987.
Genomic context (GRCh38, chr15:48,505,041, plus strand): 5'-GAGGCTGAACCTCTCTCATAAGGTTAGCCATGATGTTTTCTTACCAACACACACACGGCC[A>T]TCCAGACCCACAGCCAGTCCAGGGAAGCATTCACATCTGTAGGAGCCATCAGTGTTGACG-3'
Protein context (NP_000129.3, residues 638-658): ECFPGLAVGL[Asp648Glu]GRVCVDTHMR

ClinVar aggregate classification (germline): Uncertain significance. Review status: criteria provided, multiple submitters, no conflicts (2 of 4 stars). 3 submissions from 3 submitters: Uncertain significance (3). Last evaluated 2024-03-05.

Conditions:
Marfan syndrome (MFS). Also called: MARFAN SYNDROME, TYPE I; Marfan syndrome type 1; Marfan's syndrome; Marfan syndrome, classic; FBN1-Related Marfan Syndrome. Identifiers: Orphanet 284963, Orphanet 558, MedGen C0024796, MONDO:0007947, OMIM 154700.
Familial thoracic aortic aneurysm and aortic dissection (TAAD). Also called: Thoracic aortic aneurysms and dissections. Identifiers: Orphanet 91387, MedGen C4707243, MONDO:0019625.

Submissions (3):

All of Us Research Program, National Institutes of Health
Classification: Uncertain significance for Marfan syndrome. Last evaluated: 2024-03-05. Review status: criteria provided, single submitter. Criteria: ACMG Guidelines, 2015. Collection method: clinical testing. Allele origin: germline. Inheritance: Autosomal dominant inheritance. Observed: 1 variant allele, 1 heterozygote.
Comment: This study involves interpretation of variants in research participants for the purpose of population health screening. Participant phenotype was not available at the time of variant classification. Additional details can be found in publication PMID: 35346344, PMCID: PMC8962531

Greenwood Genetic Center Diagnostic Laboratories, Greenwood Genetic Center
Classification: Uncertain significance. Last evaluated: 2023-04-27. Review status: criteria provided, single submitter. Criteria: ACMG Guidelines, 2015. Collection method: clinical testing. Allele origin: germline. Affected: yes.
Comment: PM2

Labcorp Genetics (formerly Invitae), Labcorp
Classification: Uncertain significance for Marfan syndrome; Familial thoracic aortic aneurysm and aortic dissection. Last evaluated: 2021-06-16. Review status: criteria provided, single submitter. Criteria: Invitae Variant Classification Sherloc (09022015). Collection method: clinical testing. Allele origin: germline.
Comment: Algorithms developed to predict the effect of sequence changes on RNA splicing suggest that this variant may create or strengthen a splice site, but this prediction has not been confirmed by published transcriptional studies. In summary, the available evidence is currently insufficient to determine the role of this variant in disease. Therefore, it has been classified as a Variant of Uncertain Significance. Algorithms developed to predict the effect of missense changes on protein structure and function are either unavailable or do not agree on the potential impact of this missense change (SIFT: "Deleterious"; PolyPhen-2: "Possibly Damaging"; Align-GVGD: "Class C0"). This variant has not been reported in the literature in individuals with FBN1-related conditions. This variant is not present in population databases (ExAC no frequency). This sequence change replaces aspartic acid with glutamic acid at codon 648 of the FBN1 protein (p.Asp648Glu). The aspartic acid residue is highly conserved and there is a small physicochemical difference between aspartic acid and glutamic acid.